The following is an entry in ClinVar:

NM_007194.4(CHEK2):c.176C>T (p.Thr59Ile)

Gene: CHEK2 (checkpoint kinase 2; minus strand). Cytogenetic location: 22q12.1.
Variant type: single nucleotide variant.
Coding change: c.176C>T on transcript NM_007194.4 (MANE Select); coding-DNA position 176, C replaced by T.
Protein change: p.Thr59Ile; replaces threonine 59 with isoleucine.
Molecular consequence: missense variant.
Genome position (GRCh38, 1-based): chr22:28,734,546, G>A on the plus strand (C>T on the coding strand, the complement: CHEK2 is on the minus strand). VCF-style: chr22-28734546-G-A. GRCh37 (hg19) VCF-style: chr22-29130534-G-A.
Other names: c.176C>T, p.Thr59Ile (NM_145862.3, NM_001005735.3, NM_001349956.3); c.-602C>T (NM_001257387.3); short protein forms T59I.
Identifiers: ClinVar variation 483383 (VCV000483383.17), dbSNP rs149991239, ClinGen allele CA411090890.

ClinVar aggregate classification (germline): Uncertain significance. Review status: criteria provided, multiple submitters, no conflicts (2 of 4 stars). 3 submissions from 3 submitters: Uncertain significance (3). Last evaluated 2025-05-04.

Conditions:
Hereditary cancer-predisposing syndrome. Also called: Hereditary neoplastic syndrome; Neoplastic Syndromes, Hereditary; Tumor predisposition; Hereditary Cancer Syndrome. Identifiers: Orphanet 140162, MedGen C0027672, MeSH D009386, MONDO:0015356.
Li-Fraumeni syndrome (LFS). Also called: Sarcoma family syndrome of Li and Fraumeni. Identifiers: Orphanet 524, MedGen C0085390, MONDO:0018875.
Familial cancer of breast. Also called: BREAST CANCER, FAMILIAL; Hereditary breast cancer; hereditary breast carcinoma. Identifiers: Orphanet 227535, MedGen C0346153, MONDO:0016419, OMIM 114480. Disease mechanism: loss of function.

gnomAD v4.1: 9 of 1,614,014 alleles (0.00056%); highest among the groups gnomAD compares: Non-Finnish European, 0.00076%; no homozygotes.

Submissions (3):

Labcorp Genetics (formerly Invitae), Labcorp
Classification: Uncertain significance for Familial cancer of breast. Last evaluated: 2025-05-04. Review status: criteria provided, single submitter. Criteria: Invitae Variant Classification Sherloc (09022015). Collection method: clinical testing. Allele origin: germline.
Comment: This sequence change replaces threonine, which is neutral and polar, with isoleucine, which is neutral and non-polar, at codon 59 of the CHEK2 protein (p.Thr59Ile). This variant is not present in population databases (gnomAD no frequency). This variant has not been reported in the literature in individuals affected with CHEK2-related conditions. ClinVar contains an entry for this variant (Variation ID: 483383). An algorithm developed to predict the effect of missense changes on protein structure and function (PolyPhen-2) suggests that this variant is likely to be disruptive. In summary, the available evidence is currently insufficient to determine the role of this variant in disease. Therefore, it has been classified as a Variant of Uncertain Significance.

Ambry Genetics
Classification: Uncertain significance for Hereditary cancer-predisposing syndrome. Last evaluated: 2024-06-05. Review status: criteria provided, single submitter. Criteria: Ambry Variant Classification Scheme 2023. Collection method: clinical testing. Allele origin: germline.
Comment: The p.T59I variant (also known as c.176C>T), located in coding exon 1 of the CHEK2 gene, results from a C to T substitution at nucleotide position 176. The threonine at codon 59 is replaced by isoleucine, an amino acid with similar properties. This amino acid position is highly conserved in available vertebrate species. In addition, this alteration is predicted to be deleterious by in silico analysis. Based on the available evidence, the clinical significance of this variant remains unclear.

Department of Pathology and Laboratory Medicine, Sinai Health System
Classification: Uncertain significance for Li-Fraumeni syndrome. Last evaluated: 2021-11-23. Review status: criteria provided, single submitter. Criteria: ACMG Guidelines, 2015. Collection method: clinical testing. Allele origin: germline. Affected: yes.